The following is an entry in ClinVar:

ClinVar aggregate classification (germline): Pathogenic (1 of 4 stars; one submission).

Conditions:
Jeune thoracic dystrophy. Also called: Jeune syndrome; Infantile thoracic dystrophy; Thoracic pelvic phalangeal dystrophy; Jeune's syndrome; Chondroectodermal dysplasia-like syndrome; Short-rib thoracic dysplasia. Identifiers: Orphanet 474, MedGen C0265275, MONDO:0018770.

Submission:

Labcorp Genetics (formerly Invitae), Labcorp
Classification: Pathogenic for Jeune thoracic dystrophy. Last evaluated: 2023-05-11. Review status: criteria provided, single submitter. Criteria: Invitae Variant Classification Sherloc (09022015). Collection method: clinical testing. Allele origin: germline.
Comment: This variant is not present in population databases (gnomAD no frequency). This variant has not been reported in the literature in individuals affected with DYNC2H1-related conditions. For these reasons, this variant has been classified as Pathogenic. This sequence change creates a premature translational stop signal (p.Arg1367Thrfs*6) in the DYNC2H1 gene. It is expected to result in an absent or disrupted protein product. Loss-of-function variants in DYNC2H1 are known to be pathogenic (PMID: 23339108, 32753734).

Literature cited by the submitters: PubMed 23339108; PubMed 32753734.

NM_001377.3(DYNC2H1):c.4098dup (p.Arg1367fs)

Gene: DYNC2H1 (dynein cytoplasmic 2 heavy chain 1; plus strand). Cytogenetic location: 11q22.3.
Variant type: Duplication.
Coding change: c.4098dup on transcript NM_001377.3 (MANE Select); coding-DNA position 4098, one base duplicated (A; older notation c.4098dupA).
Protein change: p.Arg1367fs; shifts the reading frame from arginine 1367.
Molecular consequence: frameshift variant.
Genome position (GRCh38, 1-based): chr11:103,156,741, A duplicated. VCF-style (leftmost placement, unchanged base first): chr11-103156740-C-CA. GRCh37 (hg19) VCF-style: chr11-103027469-C-CA.
Other names: c.4098dup, p.Arg1367fs (NM_001080463.2); short protein forms R1367fs.
Identifiers: ClinVar variation 2863340 (VCV002863340.3), dbSNP rs2497063654, ClinGen allele CA2739270853.